The following is an entry in ClinVar:

NM_004100.5(EYA4):c.33A>G (p.Ser11=)

Gene: EYA4 (EYA transcriptional coactivator and phosphatase 4; plus strand). Cytogenetic location: 6q23.2.
Variant type: single nucleotide variant.
Coding change: c.33A>G on transcript NM_004100.5 (MANE Select); coding-DNA position 33, A replaced by G.
Protein change: p.Ser11=; no amino-acid change (serine 11 retained).
Molecular consequence: synonymous variant.
Genome position (GRCh38, 1-based): chr6:133,274,813, A>G. VCF-style: chr6-133274813-A-G. GRCh37 (hg19) VCF-style: chr6-133595951-A-G.
Other names: c.33A>G (NM_004100.4); c.33A>G, p.Ser11= (NM_001301012.2, NM_001301013.2, NM_001370458.1 and 3 more transcripts).
Identifiers: ClinVar variation 1522795 (VCV001522795.9), dbSNP rs143613363, ClinGen allele CA4007913.
Genomic context (GRCh38, chr6:133,274,813, plus strand): 5'-GGAGTGGCAGGAGAAGTGAGAAAACCACATGGAAGACTCCCAGGATTTAAATGAACAATC[A>G]GTAAGTCTTCATTCTCAGTTTTGCTGAAAAAAGTTGCGATAACACTACTGAAAATCATAC-3'
Protein context (NP_004091.3, residues 1-21): MEDSQDLNEQ[Ser11=]VKKTCTESDV

ClinVar aggregate classification (germline): Conflicting classifications of pathogenicity. Review status: criteria provided, conflicting classifications (1 of 4 stars). 2 submissions from 2 submitters: Uncertain significance (1); Likely benign (1). Last evaluated 2025-02-26.

Conditions:
Dilated cardiomyopathy 1J (CMD1J). Also called: CARDIOMYOPATHY, DILATED, WITH SENSORINEURAL HEARING LOSS, AUTOSOMAL DOMINANT. Identifiers: Orphanet 217622, MedGen C1854368, MONDO:0011541, OMIM 605362.
Cardiovascular phenotype. Identifiers: MedGen CN230736.

Allele frequency attached by ClinVar (database versions not stated): gnomAD exomes below 0.00001 and 0.00001; gnomAD 0.00001; TOPMed 0.00001; ExAC 0.00002; ESP Exome Variant Server 0.00008.
gnomAD v4.1: 4 of 1,613,414 alleles (0.00025%); highest among the groups gnomAD compares: African/African-American, 0.004%; no homozygotes.

Submissions (2):

Labcorp Genetics (formerly Invitae), Labcorp
Classification: Uncertain significance for Dilated cardiomyopathy 1J. Last evaluated: 2025-02-26. Review status: criteria provided, single submitter. Criteria: Invitae Variant Classification Sherloc (09022015). Collection method: clinical testing. Allele origin: germline.
Comment: This sequence change affects codon 11 of the EYA4 mRNA. It is a 'silent' change, meaning that it does not change the encoded amino acid sequence of the EYA4 protein. It affects a nucleotide within the consensus splice site. This variant is present in population databases (rs143613363, gnomAD 0.007%). This variant has not been reported in the literature in individuals affected with EYA4-related conditions. ClinVar contains an entry for this variant (Variation ID: 1522795). Algorithms developed to predict the effect of sequence changes on RNA splicing suggest that this variant is not likely to affect RNA splicing. In summary, the available evidence is currently insufficient to determine the role of this variant in disease. Therefore, it has been classified as a Variant of Uncertain Significance.

Ambry Genetics
Classification: Likely benign for Cardiovascular phenotype. Last evaluated: 2024-07-10. Review status: criteria provided, single submitter. Criteria: Ambry Variant Classification Scheme 2023. Collection method: clinical testing. Allele origin: germline.